The following is an entry in ClinVar:

NM_001394372.1(BICRA):c.4118G>T (p.Arg1373Leu)

Gene: BICRA (BRD4 interacting chromatin remodeling complex associated protein; plus strand). Cytogenetic location: 19q13.33.
Variant type: single nucleotide variant.
Coding change: c.4118G>T on transcript NM_001394372.1 (MANE Select); coding-DNA position 4118, G replaced by T.
Protein change: p.Arg1373Leu; replaces arginine 1373 with leucine.
Molecular consequence: missense variant.
Genome position (GRCh38, 1-based): chr19:47,701,850, G>T. VCF-style: chr19-47701850-G-T. GRCh37 (hg19) VCF-style: chr19-48205107-G-T.
Other names: c.4118G>T, p.Arg1373Leu (NM_015711.3); short protein forms R1373L.
Identifiers: ClinVar variation 4526228 (VCV004526228.1).

ClinVar aggregate classification (germline): Uncertain significance (1 of 4 stars; one submission).

gnomAD v4.1: 5 of 1,514,086 alleles (0.00033%); highest among the groups gnomAD compares: Admixed American, 0.01%; no homozygotes.

Submission:

Women's Health and Genetics/Laboratory Corporation of America, LabCorp
Classification: Uncertain significance. Last evaluated: 2025-07-24. Review status: criteria provided, single submitter. Criteria: LabCorp Variant Classification Summary - May 2015. Collection method: clinical testing. Allele origin: germline.
Comment: Variant summary: BICRA c.4118G>T (p.Arg1373Leu) results in a non-conservative amino acid change in the encoded protein sequence. Algorithms developed to predict the effect of missense changes on protein structure and function are either unavailable or do not agree on the potential impact of this missense change. The variant allele was found at a frequency of 8.5e-06 in 117628 control chromosomes (gnomAD). The available data on variant occurrences in the general population are insufficient to allow any conclusion about variant significance. To our knowledge, no occurrence of c.4118G>T in individuals affected with Coffin-Siris Syndrome 12 and no experimental evidence demonstrating its impact on protein function have been reported. No submitters have cited clinical-significance assessments for this variant to ClinVar. Based on the evidence outlined above, the variant was classified as uncertain significance.